The following is an entry in ClinVar:

ClinVar aggregate classification (germline): Uncertain significance (1 of 4 stars; one submission).

Conditions:
Inborn genetic diseases. Identifiers: MedGen C0950123, MeSH D030342.

Allele frequency attached by ClinVar (database versions not stated): ExAC 0.00001; gnomAD 0.00001; gnomAD exomes 0.00001; TOPMed 0.00001.
gnomAD v4.1: 4 of 1,613,056 alleles (0.00025%); highest among the groups gnomAD compares: African/African-American, 0.0053%; no homozygotes.

Submission:

Ambry Genetics
Classification: Uncertain significance for Inborn genetic diseases. Last evaluated: 2023-02-20. Review status: criteria provided, single submitter. Criteria: Ambry Variant Classification Scheme 2023. Collection method: clinical testing. Allele origin: germline.
Comment: The p.I2202V variant (also known as c.6604A>G), located in coding exon 39 of the ATR gene, results from an A to G substitution at nucleotide position 6604. The isoleucine at codon 2202 is replaced by valine, an amino acid with highly similar properties. This amino acid position is conserved. In addition, this alteration is predicted to be tolerated by in silico analysis. Since supporting evidence is limited at this time, the clinical significance of this alteration remains unclear.

NM_001184.4(ATR):c.6604A>G (p.Ile2202Val)

Gene: ATR (ATR checkpoint kinase; minus strand). Cytogenetic location: 3q23.
Variant type: single nucleotide variant.
Coding change: c.6604A>G on transcript NM_001184.4 (MANE Select); coding-DNA position 6604, A replaced by G.
Protein change: p.Ile2202Val; replaces isoleucine 2202 with valine.
Molecular consequence: missense variant.
Genome position (GRCh38, 1-based): chr3:142,468,017, T>C on the plus strand (A>G on the coding strand, the complement: ATR is on the minus strand). VCF-style: chr3-142468017-T-C. GRCh37 (hg19) VCF-style: chr3-142186859-T-C.
Other names: c.6412A>G, p.Ile2138Val (NM_001354579.2); short protein forms I2138V, I2202V.
Identifiers: ClinVar variation 2496635 (VCV002496635.2), dbSNP rs769959479, ClinGen allele CA2649294.